The following is an entry in ClinVar:

ClinVar aggregate classification (germline): Conflicting classifications of pathogenicity. Review status: criteria provided, conflicting classifications (1 of 4 stars). 5 submissions from 5 submitters: Uncertain significance (1); Benign (1); Likely benign (3). Last evaluated 2025-12-23.

Conditions:
Epidermolysis bullosa simplex 5B, with muscular dystrophy (EBS5B). Also called: EPIDERMOLYSIS BULLOSA SIMPLEX AND LIMB-GIRDLE MUSCULAR DYSTROPHY; Epidermolysis bullosa simplex with muscular dystrophy. Identifiers: Orphanet 257, MedGen C2931072, MONDO:0009181, OMIM 226670.
Epidermolysis bullosa simplex, Ogna type (EBS5A). Also called: Pidermolysis bullosa simplex 5A, Ogna type; EPIDERMOLYSIS BULLOSA SIMPLEX 5A, OGNA TYPE. Identifiers: Orphanet 79401, MedGen C0432317, MONDO:0007555, OMIM 131950.
Epidermolysis bullosa simplex 5C, with pyloric atresia (EBS5C). Also called: PLEC1-Related Epidermolysis Bullosa with Pyloric Atresia; PLEC-Related Epidermolysis Bullosa with Pyloric Atresia; Epidermolysis bullosa simplex with pyloric atresia. Identifiers: Orphanet 158684, MedGen C2677349, MONDO:0012807, OMIM 612138.
Epidermolysis bullosa simplex with nail dystrophy (EBS5D). Identifiers: MedGen C4225309, MONDO:0014661, OMIM 616487.
Autosomal recessive limb-girdle muscular dystrophy type 2Q (LGMDR17). Also called: MUSCULAR DYSTROPHY, LIMB-GIRDLE, AUTOSOMAL RECESSIVE 17. Identifiers: Orphanet 254361, MedGen C3150989, MONDO:0013390, OMIM 613723.

Allele frequency attached by ClinVar (database versions not stated): TOPMed 0.00013; gnomAD 0.00016 and 0.00017; 1000 Genomes Project 0.00020; 1000 Genomes Project 30x 0.00031; ExAC 0.00005; gnomAD exomes 0.00005.
gnomAD v4.1: 58 of 1,558,776 alleles (0.0037%); highest among the groups gnomAD compares: African/African-American, 0.042%; no homozygotes.

Submissions (5):

Labcorp Genetics (formerly Invitae), Labcorp
Classification: Likely benign for Autosomal recessive limb-girdle muscular dystrophy type 2Q; Epidermolysis bullosa simplex, Ogna type; Epidermolysis bullosa simplex with nail dystrophy; Epidermolysis bullosa simplex 5C, with pyloric atresia; Epidermolysis bullosa simplex 5B, with muscular dystrophy. Last evaluated: 2025-12-23. Review status: criteria provided, single submitter. Criteria: Invitae Variant Classification Sherloc (09022015). Collection method: clinical testing. Allele origin: germline.

Revvity Omics, Revvity
Classification: Benign. Last evaluated: 2024-07-01. Review status: criteria provided, single submitter. Criteria: ACMG Guidelines, 2015. Collection method: clinical testing. Allele origin: germline.

CeGaT Center for Human Genetics Tuebingen
Classification: Likely benign. Last evaluated: 2023-02-01. Review status: criteria provided, single submitter. Criteria: CeGaT Center For Human Genetics Tuebingen Variant Classification Criteria Version 2. Collection method: clinical testing. Allele origin: germline. Affected: yes. Observed: 1 variant allele.
Comment: PLEC: BP4, BP7

Blueprint Genetics
Classification: Likely benign. Last evaluated: 2019-11-18. Review status: criteria provided, single submitter. Criteria: ACMG Guidelines, 2015. Collection method: clinical testing. Allele origin: germline.

Eurofins Ntd Llc (ga)
Classification: Uncertain significance. Last evaluated: 2018-03-13. Review status: criteria provided, single submitter. Criteria: EGL ClinVar v180209 classification definitions. Collection method: clinical testing. Allele origin: germline. Observed: 1 variant allele, 1 heterozygote.

NM_201384.3(PLEC):c.4800C>T (p.His1600=)

Gene: PLEC (plectin; minus strand). Cytogenetic location: 8q24.3.
Variant type: single nucleotide variant.
Coding change: c.4800C>T on transcript NM_201384.3 (MANE Select); coding-DNA position 4800, C replaced by T.
Protein change: p.His1600=; no amino-acid change (histidine 1600 retained).
Molecular consequence: synonymous variant.
Genome position (GRCh38, 1-based): chr8:143,925,129, G>A on the plus strand (C>T on the coding strand, the complement: PLEC is on the minus strand). VCF-style: chr8-143925129-G-A. GRCh37 (hg19) VCF-style: chr8-144999297-G-A.
Other names: c.4881C>T, p.His1627= (NM_000445.5); c.4758C>T, p.His1586= (NM_201378.4); c.4734C>T, p.His1578= (NM_201379.3); c.5211C>T, p.His1737= (NM_201380.4); c.4704C>T, p.His1568= (NM_201381.3); c.4800C>T, p.His1600= (NM_201382.4); c.4812C>T, p.His1604= (NM_201383.3).
Identifiers: ClinVar variation 538998 (VCV000538998.39), dbSNP rs149044728, ClinGen allele CA4926534.